The following is an entry in ClinVar:

NM_004281.4(BAG3):c.1296_1298delinsGCG (p.Gln433Arg)

Gene: BAG3 (BAG cochaperone 3; plus strand). Cytogenetic location: 10q26.11.
Variant type: Indel.
Coding change: c.1296_1298delinsGCG on transcript NM_004281.4 (MANE Select); coding-DNA positions 1296 to 1298, ACA replaced by GCG.
Protein change: p.Gln433Arg; replaces glutamine 433 with arginine.
Molecular consequence: missense variant.
Genome position (GRCh38, 1-based): chr10:119,676,850-119,676,852, ACA replaced by GCG. VCF-style: chr10-119676850-ACA-GCG. GRCh37 (hg19) VCF-style: chr10-121436362-ACA-GCG.
Other names: short protein forms Q433R.
Identifiers: ClinVar variation 1769203 (VCV001769203.2), dbSNP rs2494023670, ClinGen allele CA2580082438.
Genomic context (GRCh38, chr10:119,676,850, plus strand): 5'-AGCCGAGGCTCCCCCAAAACATCCAGGAGTGCTGAAAGTGGAAGCCATCCTGGAGAAGGT[ACA>GCG]GGGGCTGGAGCAGGCTGTAGACAACTTTGAAGGCAAGAAGACTGACAAAAAGTACCTGAT-3'
Protein context (NP_004272.2, residues 423-443): LKVEAILEKV[Gln433Arg]GLEQAVDNFE

ClinVar aggregate classification (germline): Uncertain significance (1 of 4 stars; one submission).

Conditions:
Cardiovascular phenotype. Identifiers: MedGen CN230736.

Submission:

Ambry Genetics
Classification: Uncertain significance for Cardiovascular phenotype. Last evaluated: 2022-03-22. Review status: criteria provided, single submitter. Criteria: Ambry Variant Classification Scheme 2023. Collection method: clinical testing. Allele origin: germline.
Comment: The c.1296_1298delACAinsGCG variant (also known as p.Q433R), located in coding exon 4 of the BAG3 gene, results from an in-frame deletion of ACA and insertion of GCG at nucleotide positions 1296 to 1298. This results in the substitution of the glutamine residue at codon 433 with an arginine residue, an amino acid with highly similar properties. This amino acid position is not well conserved in available vertebrate species. In addition, this alteration is predicted to be tolerated by in silico analysis. Since supporting evidence is limited at this time, the clinical significance of this alteration remains unclear.